The following is an entry in ClinVar:

ClinVar aggregate classification (germline): Uncertain significance. Review status: criteria provided, multiple submitters, no conflicts (2 of 4 stars). 2 submissions from 2 submitters: Uncertain significance (2). Last evaluated 2025-06-20.

Conditions:
Aicardi-Goutieres syndrome 6 (AGS6). Identifiers: Orphanet 51, MedGen C3539013, MONDO:0014007, OMIM 615010.
Symmetrical dyschromatosis of extremities (DSH). Also called: Dyschromatosis symmetrica hereditaria; DYSCHROMATOSIS SYMMETRICA HEREDITARIA 1; RETICULATE ACROPIGMENTATION OF DOHI; SYMMETRIC DYSCHROMATOSIS OF THE EXTREMITIES. Identifiers: Orphanet 41, MedGen C0406775, MONDO:0007483, OMIM 127400.

Allele frequency attached by ClinVar (database versions not stated): gnomAD exomes below 0.00001; TOPMed below 0.00001.

Submissions (2):

Labcorp Genetics (formerly Invitae), Labcorp
Classification: Uncertain significance for Aicardi-Goutieres syndrome 6; Symmetrical dyschromatosis of extremities. Last evaluated: 2025-06-20. Review status: criteria provided, single submitter. Criteria: Invitae Variant Classification Sherloc (09022015). Collection method: clinical testing. Allele origin: germline.
Comment: This sequence change replaces lysine, which is basic and polar, with arginine, which is basic and polar, at codon 757 of the ADAR protein (p.Lys757Arg). This variant is present in population databases (no rsID available, gnomAD 0.006%). This variant has not been reported in the literature in individuals affected with ADAR-related conditions. ClinVar contains an entry for this variant (Variation ID: 1057822). An algorithm developed to predict the effect of missense changes on protein structure and function (PolyPhen-2) suggests that this variant is likely to be disruptive. In summary, the available evidence is currently insufficient to determine the role of this variant in disease. Therefore, it has been classified as a Variant of Uncertain Significance.

Blueprint Genetics
Classification: Uncertain significance. Last evaluated: 2024-07-18. Review status: criteria provided, single submitter. Criteria: ACMG Guidelines, 2015. Collection method: clinical testing. Allele origin: germline.

NM_001111.5(ADAR):c.2270A>G (p.Lys757Arg)

Gene: ADAR (adenosine deaminase RNA specific; minus strand). Cytogenetic location: 1q21.3.
Variant type: single nucleotide variant.
Coding change: c.2270A>G on transcript NM_001111.5 (MANE Select); coding-DNA position 2270, A replaced by G.
Protein change: p.Lys757Arg; replaces lysine 757 with arginine.
Molecular consequence: missense variant.
Genome position (GRCh38, 1-based): chr1:154,596,805, T>C on the plus strand (A>G on the coding strand, the complement: ADAR is on the minus strand). VCF-style: chr1-154596805-T-C. GRCh37 (hg19) VCF-style: chr1-154569281-T-C.
Other names: c.1385A>G, p.Lys462Arg (NM_001025107.3, NM_001193495.2, NM_001365046.1 and 3 more transcripts); c.2297A>G, p.Lys766Arg (NM_001365045.1); c.2270A>G, p.Lys757Arg (NM_015840.4); c.2213A>G, p.Lys738Arg (NM_015841.4); short protein forms K462R, K738R, K757R, K766R.
Identifiers: ClinVar variation 1057822 (VCV001057822.10), dbSNP rs1159795340, ClinGen allele CA342637637.